The following is an entry in ClinVar:

NM_003923.3(FOXH1):c.653C>T (p.Pro218Leu)

Gene: FOXH1 (forkhead box H1; minus strand). Cytogenetic location: 8q24.3.
Variant type: single nucleotide variant.
Coding change: c.653C>T on transcript NM_003923.3 (MANE Select); coding-DNA position 653, C replaced by T.
Protein change: p.Pro218Leu; replaces proline 218 with leucine.
Molecular consequence: missense variant.
Genome position (GRCh38, 1-based): chr8:144,474,683, G>A on the plus strand (C>T on the coding strand, the complement: FOXH1 is on the minus strand). VCF-style: chr8-144474683-G-A. GRCh37 (hg19) VCF-style: chr8-145700066-G-A.
Other names: short protein forms P218L.
Identifiers: ClinVar variation 409648 (VCV000409648.5), dbSNP rs770944195, ClinGen allele CA4945475.
Genomic context (GRCh38, chr8:144,474,683, plus strand): 5'-ATGGCTCCCCCCTGCACAGTCTCCCCCTCCACTCTCGTGGGGCCAGGAAGGGGGCAGAGG[G>A]GCCACAGAGGCCTCTCAGAAGAGGGAAGGGGTGGGGTGGGCACCGCCTCCTCCCCACTGT-3'
Protein context (NP_003914.1, residues 208-228): PLPSSERPLW[Pro218Leu]LCPLPGPTRV

ClinVar aggregate classification (germline): Uncertain significance (1 of 4 stars; one submission).

Conditions:
Holoprosencephaly sequence (HPE). Also called: Holoprosencephaly. Identifiers: Orphanet 2162, MedGen C0079541, MONDO:0016296, HP:0001360.

Allele frequency attached by ClinVar (database versions not stated): gnomAD exomes 0.00002 and 0.00007; gnomAD 0.00003; TOPMed 0.00003; ExAC 0.00006.

Submission:

Labcorp Genetics (formerly Invitae), Labcorp
Classification: Uncertain significance for Holoprosencephaly sequence. Last evaluated: 2023-10-03. Review status: criteria provided, single submitter. Criteria: Invitae Variant Classification Sherloc (09022015). Collection method: clinical testing. Allele origin: germline.
Comment: This sequence change replaces proline, which is neutral and non-polar, with leucine, which is neutral and non-polar, at codon 218 of the FOXH1 protein (p.Pro218Leu). This variant is present in population databases (rs770944195, gnomAD 0.04%), and has an allele count higher than expected for a pathogenic variant. This missense change has been observed in individuals with holoprosencephaly (PMID: 18538293). ClinVar contains an entry for this variant (Variation ID: 409648). Advanced modeling of protein sequence and biophysical properties (such as structural, functional, and spatial information, amino acid conservation, physicochemical variation, residue mobility, and thermodynamic stability) performed at Invitae indicates that this missense variant is not expected to disrupt FOXH1 protein function. Experimental studies have shown that this missense change affects FOXH1 function (PMID: 18538293). In summary, the available evidence is currently insufficient to determine the role of this variant in disease. Therefore, it has been classified as a Variant of Uncertain Significance.

Literature cited by the submitters: PubMed 18538293.